The following is an entry in ClinVar:

ClinVar aggregate classification (germline): Uncertain significance (3 of 4 stars; one submission).

Conditions:
Monogenic diabetes. Identifiers: Orphanet 183625, MedGen C3888631, MONDO:0015967.

Submission:

ClinGen Monogenic Diabetes Variant Curation Expert Panel
Classification: Uncertain significance for Monogenic diabetes. Last evaluated: 2026-01-07. Review status: reviewed by expert panel. Criteria: ClinGen Diabetes ACMG Specifications HNF4A V4.0.0. Collection method: curation. Allele origin: germline. Inheritance: Autosomal dominant inheritance.
Comment: The c.225-5C>G variant in the hepatocyte nuclear factor 4-alpha gene, HNF4A, is a single nucleotide variant within splice acceptor motif of intron 2 of NM_175914.5. This variant is absent from gnomAD v4.1.0 (PM2_Supporting). The computational splicing predictor SpliceAI gives a score of 0.46 for acceptor loss, predicting that the variant disrupts the acceptor site of intron 2 of HNF4A (PP3). However, this variant was also identified in a patient with an alternate molecular basis for monogenic diabetes (BP5; internal lab contributors). In summary, c.225-5C>G meets the criteria to be classified as a variant of uncertain significance for monogenic diabetes. ACMG/AMP criteria applied, as specified by the ClinGen MDEP (specification version 4.0.0, approved 10/10/2025): PM2_Supporting, PP3, BP5.

NM_175914.5(HNF4A):c.225-5C>G

Gene: HNF4A (hepatocyte nuclear factor 4 alpha; plus strand). Cytogenetic location: 20q13.12.
Variant type: single nucleotide variant.
Coding change: c.225-5C>G on transcript NM_175914.5 (MANE Select); 5 bases into the intron before coding-DNA position 225, C replaced by G.
Molecular consequence: intron variant.
Genome position (GRCh38, 1-based): chr20:44,407,376, C>G. VCF-style: chr20-44407376-C-G. GRCh37 (hg19) VCF-style: chr20-43036016-C-G.
Other names: NM_175914.5:c.225-5C>G; c.216-5C>G (NM_001287182.2, NM_001287183.2, NM_001287184.2); c.225-5C>G (NM_001030003.3, NM_001030004.3); c.270-5C>G (NM_001258355.2); c.291-5C>G (NM_178849.3, NM_000457.6, NM_178850.3).
Identifiers: ClinVar variation 4687863 (VCV004687863.1).